The following is an entry in ClinVar:

NM_001372078.1(REV3L):c.2199T>C (p.Ser733=)

Gene: REV3L (REV3 like, DNA directed polymerase zeta catalytic subunit; minus strand). Cytogenetic location: 6q21.
Variant type: single nucleotide variant.
Coding change: c.2199T>C on transcript NM_001372078.1 (MANE Select); coding-DNA position 2199, T replaced by C.
Protein change: p.Ser733=; no amino-acid change (serine 733 retained).
Molecular consequence: synonymous variant.
Genome position (GRCh38, 1-based): chr6:111,376,156, A>G on the plus strand (T>C on the coding strand, the complement: REV3L is on the minus strand). VCF-style: chr6-111376156-A-G. GRCh37 (hg19) VCF-style: chr6-111697359-A-G.
Other names: c.1965T>C, p.Ser655= (NM_001286431.2, NM_001286432.2); c.2199T>C, p.Ser733= (NM_002912.5).
Identifiers: ClinVar variation 792849 (VCV000792849.5), dbSNP rs148453236, ClinGen allele CA3962387.

ClinVar aggregate classification (germline): Likely benign. Review status: criteria provided, single submitter (1 of 4 stars). 2 submissions from 2 submitters: Likely benign (1). 1 of the submissions does not count toward it. Last evaluated 2018-10-19.

Conditions:
REV3L-related disorder. Also called: REV3L-related condition.

Allele frequency attached by ClinVar (database versions not stated): ExAC 0.00006; gnomAD exomes 0.00009 and 0.00017; gnomAD 0.00011; TOPMed 0.00011; ESP Exome Variant Server 0.00023.
gnomAD v4.1: 270 of 1,612,528 alleles (0.017%); highest among the groups gnomAD compares: Non-Finnish European, 0.021%; no homozygotes.

Submissions (2):

Labcorp Genetics (formerly Invitae), Labcorp
Classification: Likely benign. Last evaluated: 2018-10-19. Review status: criteria provided, single submitter. Criteria: Invitae Variant Classification Sherloc (09022015). Collection method: clinical testing. Allele origin: germline.

PreventionGenetics, part of Exact Sciences
Classification: Likely benign for REV3L-related condition. Last evaluated: 2020-02-24. Review status: no assertion criteria provided. Collection method: clinical testing. Allele origin: germline. Not counted in ClinVar's aggregate classification.
Comment: This variant is classified as likely benign based on ACMG/AMP sequence variant interpretation guidelines (Richards et al. 2015 PMID: 25741868, with internal and published modifications).